The following is an entry in ClinVar:

ClinVar aggregate classification (germline): Uncertain significance. Review status: criteria provided, multiple submitters, no conflicts (2 of 4 stars). 3 submissions from 3 submitters: Uncertain significance (3). Last evaluated 2026-06-02.

Conditions:
Hereditary cancer-predisposing syndrome. Also called: Neoplastic Syndromes, Hereditary; Tumor predisposition; Hereditary Cancer Syndrome; Hereditary neoplastic syndrome. Identifiers: Orphanet 140162, MedGen C0027672, MeSH D009386, MONDO:0015356.
Dilated cardiomyopathy 1GG (CMD1GG). Identifiers: Orphanet 154, MedGen C3150898, MONDO:0013339, OMIM 613642.

Submissions (3):

Ambry Genetics
Classification: Uncertain significance for Hereditary cancer-predisposing syndrome. Last evaluated: 2026-06-02. Review status: criteria provided, single submitter. Criteria: Ambry Variant Classification Scheme 2023. Collection method: clinical testing. Allele origin: germline.
Comment: The p.D135Y variant (also known as c.403G>T), located in coding exon 4 of the SDHA gene, results from a G to T substitution at nucleotide position 403. The aspartic acid at codon 135 is replaced by tyrosine, an amino acid with highly dissimilar properties. This amino acid position is highly conserved in available vertebrate species. In addition, this alteration is predicted to be deleterious by in silico analysis. Based on the available evidence, the clinical significance of this variant remains unclear.

Mayo Clinic Laboratories, Mayo Clinic
Classification: Uncertain significance. Last evaluated: 2025-08-28. Review status: criteria provided, single submitter. Criteria: ACMG Guidelines, 2015. Collection method: clinical testing. Allele origin: germline. Observed: 1 variant allele.
Comment: PP3_moderate, PM2_supporting

Baylor Genetics
Classification: Uncertain significance for Dilated cardiomyopathy 1GG. Last evaluated: 2023-12-07. Review status: criteria provided, single submitter. Criteria: ACMG Guidelines, 2015. Collection method: clinical testing. Allele origin: unknown.

NM_004168.4(SDHA):c.403G>T (p.Asp135Tyr)

Gene: SDHA (succinate dehydrogenase complex flavoprotein subunit A; plus strand). Cytogenetic location: 5p15.33.
Variant type: single nucleotide variant.
Coding change: c.403G>T on transcript NM_004168.4 (MANE Select); coding-DNA position 403, G replaced by T.
Protein change: p.Asp135Tyr; replaces aspartic acid 135 with tyrosine.
Molecular consequence: missense variant. On other transcripts: intron variant (1).
Genome position (GRCh38, 1-based): chr5:225,509, G>T. VCF-style: chr5-225509-G-T. GRCh37 (hg19) VCF-style: chr5-225624-G-T.
Other names: p.Asp135Tyr; c.403G>T, p.Asp135Tyr (NM_001330758.2); c.313-374G>T (NM_001294332.2); short protein forms D135Y.
Identifiers: ClinVar variation 1737279 (VCV001737279.5), dbSNP rs1734960553, ClinGen allele CA359009506.
Genomic context (GRCh38, chr5:225,509, plus strand): 5'-GAGGAGGACAACTGGAGGTGGCATTTCTACGACACCGTGAAGGGCTCCGACTGGCTGGGG[G>T]ACCAGGATGCCATCCACTACATGACGGAGCAGGCCCCCGCCGCCGTGGTCGAGGTGATGG-3'
Protein context (NP_004159.2, residues 125-145): DTVKGSDWLG[Asp135Tyr]QDAIHYMTEQ